The following is an entry in ClinVar:

NM_001379291.1(BRD4):c.3334GAG[1] (p.Glu1113del)

Gene: BRD4 (bromodomain containing 4; minus strand). Cytogenetic location: 19p13.12.
Variant type: Microsatellite.
Coding change: c.3334GAG[1] on transcript NM_001379291.1 (MANE Select); one copy of the 3-base unit GAG starting at c.3334; the reference has two copies in a row; one copy, 3 bases deleted.
Protein change: p.Glu1113del; deletes glutamic acid 1113.
Molecular consequence: inframe deletion.
Genome position (GRCh38, 1-based): chr19:15,239,765-15,239,767, CTC deleted on the plus strand (GAG on the coding strand, the reverse complement: BRD4 is on the minus strand); deleting any 3 consecutive bases within chr19:15,239,765-15,239,772 gives the same sequence; the position shown is the placement nearest the transcript's 3' end. VCF-style (leftmost placement, unchanged base first): chr19-15239764-TCTC-T. GRCh37 (hg19) VCF-style: chr19-15350575-TCTC-T.
Other names: c.3334GAG[1], p.Glu1113del (NM_058243.3); c.3337_3339delGAG (NM_058243.2); short protein forms E1113del.
Identifiers: ClinVar variation 2063727 (VCV002063727.27), dbSNP rs747153554, ClinGen allele CA9264709.

ClinVar aggregate classification (germline): Benign. Review status: criteria provided, multiple submitters, no conflicts (2 of 4 stars). 3 submissions from 3 submitters: Benign (2). 1 of the submissions does not count toward it. Last evaluated 2026-01-19.

Conditions:
BRD4-related disorder. Also called: BRD4-related condition.

Submissions (3):

Labcorp Genetics (formerly Invitae), Labcorp
Classification: Benign. Last evaluated: 2026-01-19. Review status: criteria provided, single submitter. Criteria: Invitae Variant Classification Sherloc (09022015). Collection method: clinical testing. Allele origin: germline.

CeGaT Center for Human Genetics Tuebingen
Classification: Benign. Last evaluated: 2024-01-01. Review status: criteria provided, single submitter. Criteria: CeGaT Center For Human Genetics Tuebingen Variant Classification Criteria Version 2. Collection method: clinical testing. Allele origin: germline. Affected: yes. Observed: 2 variant alleles.
Comment: BRD4: PM4:Supporting, BS1, BS2

PreventionGenetics, part of Exact Sciences
Classification: Benign for BRD4-related condition. Last evaluated: 2019-11-11. Review status: no assertion criteria provided. Collection method: clinical testing. Allele origin: germline. Not counted in ClinVar's aggregate classification.
Comment: This variant is classified as benign based on ACMG/AMP sequence variant interpretation guidelines (Richards et al. 2015 PMID: 25741868, with internal and published modifications).